The following is an entry in ClinVar:

ClinVar aggregate classification (germline): Uncertain significance (1 of 4 stars; one submission).

Allele frequency attached by ClinVar (database versions not stated): gnomAD exomes below 0.00001.
gnomAD v4.1: 2 of 1,614,190 alleles (0.00012%); highest among the groups gnomAD compares: Admixed American, 0.0033%; no homozygotes.

Submission:

Labcorp Genetics (formerly Invitae), Labcorp
Classification: Uncertain significance. Last evaluated: 2020-10-07. Review status: criteria provided, single submitter. Criteria: Invitae Variant Classification Sherloc (09022015). Collection method: clinical testing. Allele origin: germline.
Comment: In summary, the available evidence is currently insufficient to determine the role of this variant in disease. Therefore, it has been classified as a Variant of Uncertain Significance. Algorithms developed to predict the effect of missense changes on protein structure and function output the following: SIFT: "Not Available"; PolyPhen-2: "Benign"; Align-GVGD: "Not Available". The glutamic acid amino acid residue is found in multiple mammalian species, suggesting that this missense change does not adversely affect protein function. These predictions have not been confirmed by published functional studies and their clinical significance is uncertain. This variant has not been reported in the literature in individuals with ADAMTS18-related conditions. This variant is not present in population databases (ExAC no frequency). This sequence change replaces glycine with glutamic acid at codon 1126 of the ADAMTS18 protein (p.Gly1126Glu). The glycine residue is moderately conserved and there is a moderate physicochemical difference between glycine and glutamic acid.

NM_199355.4(ADAMTS18):c.3377G>A (p.Gly1126Glu)

Gene: ADAMTS18 (ADAM metallopeptidase with thrombospondin type 1 motif 18; minus strand). Cytogenetic location: 16q23.1.
Variant type: single nucleotide variant.
Coding change: c.3377G>A on transcript NM_199355.4 (MANE Select); coding-DNA position 3377, G replaced by A.
Protein change: p.Gly1126Glu; replaces glycine 1126 with glutamic acid.
Molecular consequence: missense variant.
Genome position (GRCh38, 1-based): chr16:77,291,291, C>T on the plus strand (G>A on the coding strand, the complement: ADAMTS18 is on the minus strand). VCF-style: chr16-77291291-C-T. GRCh37 (hg19) VCF-style: chr16-77325188-C-T.
Other names: c.2861G>A, p.Gly954Glu (NM_001326358.2); short protein forms G1126E, G954E.
Identifiers: ClinVar variation 1058523 (VCV001058523.7), dbSNP rs896025437, ClinGen allele CA284421881.